The following is an entry in ClinVar:

ClinVar aggregate classification (germline): Conflicting classifications of pathogenicity. Review status: criteria provided, conflicting classifications (1 of 4 stars). 2 submissions from 2 submitters: Uncertain significance (1); Likely benign (1). Last evaluated 2024-09-01.

Conditions:
GNE myopathy (NM). Also called: IBM 2; Inclusion body myopathy autosomal recessive; Inclusion body myopathy quadriceps sparing; INCLUSION BODY MYOPATHY, HEREDITARY, AUTOSOMAL RECESSIVE; INCLUSION BODY MYOPATHY 2, AUTOSOMAL RECESSIVE; MYOPATHY, DISTAL, WITH OR WITHOUT RIMMED VACUOLES. Identifiers: Orphanet 602, MedGen C1853926, MONDO:0011603, OMIM 605820.
Sialuria. Also called: SIALURIA, FRENCH TYPE; Sialic Acid Storage Disease. Identifiers: Orphanet 3166, MedGen C0342853, MONDO:0010028, OMIM 269921.

Allele frequency attached by ClinVar (database versions not stated): gnomAD exomes below 0.00001 and 0.00001.
gnomAD v4.1: 9 of 1,613,256 alleles (0.00056%); highest among the groups gnomAD compares: Non-Finnish European, 0.00076%; no homozygotes.

Submissions (2):

CeGaT Center for Human Genetics Tuebingen
Classification: Uncertain significance. Last evaluated: 2024-09-01. Review status: criteria provided, single submitter. Criteria: CeGaT Center For Human Genetics Tuebingen Variant Classification Criteria Version 2. Collection method: clinical testing. Allele origin: germline. Affected: yes. Observed: 1 variant allele.
Comment: GNE: PM2, BP4

Labcorp Genetics (formerly Invitae), Labcorp
Classification: Likely benign for Sialuria; GNE myopathy. Last evaluated: 2023-10-11. Review status: criteria provided, single submitter. Criteria: Invitae Variant Classification Sherloc (09022015). Collection method: clinical testing. Allele origin: germline.

NM_005476.7(GNE):c.1200T>C (p.Ile400=)

Gene: GNE (glucosamine (UDP-N-acetyl)-2-epimerase/N-acetylmannosamine kinase; minus strand). Cytogenetic location: 9p13.3.
Variant type: single nucleotide variant.
Coding change: c.1200T>C on transcript NM_005476.7 (MANE Select); coding-DNA position 1200, T replaced by C.
Protein change: p.Ile400=; no amino-acid change (isoleucine 400 retained).
Molecular consequence: synonymous variant.
Genome position (GRCh38, 1-based): chr9:36,227,329, A>G on the plus strand (T>C on the coding strand, the complement: GNE is on the minus strand). VCF-style: chr9-36227329-A-G. GRCh37 (hg19) VCF-style: chr9-36227326-A-G.
Other names: c.1293T>C, p.Ile431= (NM_001128227.3); c.1200T>C, p.Ile400= (NM_001190383.3); c.870T>C, p.Ile290= (NM_001190384.3); c.1023T>C, p.Ile341= (NM_001190388.2, NM_001374798.1); c.1047T>C, p.Ile349= (NM_001374797.1).
Identifiers: ClinVar variation 1081535 (VCV001081535.23), dbSNP rs1173945551, ClinGen allele CA464495620.
Genomic context (GRCh38, chr9:36,227,329, plus strand): 5'-TCGGAGGTTCGTCCCGCCAAGATCAACGGCCAAGGCACTTAGAGTTTCAAGAATATGGTC[A>G]ATATCTTGAGAGATATTCTCCTTCACAGGAGGAAAGCAGAATTTCTTTTGCAGTGGCTCT-3'
Protein context (NP_005467.1, residues 390-410): PPVKENISQD[Ile400=]DHILETLSAL